The following is an entry in ClinVar:

ClinVar aggregate classification (germline): Likely benign. Review status: criteria provided, multiple submitters, no conflicts (2 of 4 stars). 4 submissions from 4 submitters: Likely benign (4). Last evaluated 2025-04-01.

Conditions:
Meckel-Gruber syndrome. Also called: DYSENCEPHALIA SPLANCHNOCYSTICA; Dysencephalia splachnocystica; GRUBER SYNDROME. Identifiers: Orphanet 564, MedGen C0265215, MONDO:0018921.
Joubert syndrome. Also called: Familial aplasia of the vermis; JOUBERT-BOLTSHAUSER SYNDROME. Identifiers: Orphanet 475, MedGen C5979921, MONDO:0018772.

Allele frequency attached by ClinVar (database versions not stated): gnomAD exomes below 0.00001; ExAC 0.00001; gnomAD 0.00001; TOPMed 0.00002.
gnomAD v4.1: 13 of 1,613,302 alleles (0.00081%); highest among the groups gnomAD compares: Non-Finnish European, 0.0011%; no homozygotes.

Submissions (4):

CeGaT Center for Human Genetics Tuebingen
Classification: Likely benign. Last evaluated: 2025-04-01. Review status: criteria provided, single submitter. Criteria: CeGaT Center For Human Genetics Tuebingen Variant Classification Criteria Version 2. Collection method: clinical testing. Allele origin: germline. Affected: yes. Observed: 1 variant allele.
Comment: RPGRIP1L: BP4, BP7

Blueprint Genetics
Classification: Likely benign. Last evaluated: 2024-11-25. Review status: criteria provided, single submitter. Criteria: ACMG Guidelines, 2015. Collection method: clinical testing. Allele origin: germline.

Labcorp Genetics (formerly Invitae), Labcorp
Classification: Likely benign for Joubert syndrome; Meckel-Gruber syndrome. Last evaluated: 2024-02-23. Review status: criteria provided, single submitter. Criteria: Invitae Variant Classification Sherloc (09022015). Collection method: clinical testing. Allele origin: germline.

GeneDx
Classification: Likely benign. Last evaluated: 2017-08-03. Review status: criteria provided, single submitter. Criteria: GeneDx Variant Classification (06012015). Collection method: clinical testing. Allele origin: germline. Affected: yes.
Comment: This variant is considered likely benign or benign based on one or more of the following criteria: it is a conservative change, it occurs at a poorly conserved position in the protein, it is predicted to be benign by multiple in silico algorithms, and/or has population frequency not consistent with disease.

NM_015272.5(RPGRIP1L):c.3858T>C (p.Gly1286=)

Gene: RPGRIP1L (RPGRIP1 like; minus strand). Cytogenetic location: 16q12.2.
Variant type: single nucleotide variant.
Coding change: c.3858T>C on transcript NM_015272.5 (MANE Select); coding-DNA position 3858, T replaced by C.
Protein change: p.Gly1286=; no amino-acid change (glycine 1286 retained).
Molecular consequence: synonymous variant.
Genome position (GRCh38, 1-based): chr16:53,602,166, A>G on the plus strand (T>C on the coding strand, the complement: RPGRIP1L is on the minus strand). VCF-style: chr16-53602166-A-G. GRCh37 (hg19) VCF-style: chr16-53636078-A-G.
Other names: c.3618T>C, p.Gly1206= (NM_001127897.4); c.3720T>C, p.Gly1240= (NM_001308334.3); c.3756T>C, p.Gly1252= (NM_001330538.2).
Identifiers: ClinVar variation 511206 (VCV000511206.18), dbSNP rs201132156, ClinGen allele CA8057132.